The following is an entry in ClinVar:

NM_001144967.3(NEDD4L):c.1947G>A (p.Trp649Ter)

Gene: NEDD4L (NEDD4 like E3 ubiquitin protein ligase; plus strand). Cytogenetic location: 18q21.31.
Variant type: single nucleotide variant.
Coding change: c.1947G>A on transcript NM_001144967.3 (MANE Select); coding-DNA position 1947, G replaced by A.
Protein change: p.Trp649Ter; replaces tryptophan 649 with a stop codon.
Molecular consequence: nonsense.
Genome position (GRCh38, 1-based): chr18:58,366,112, G>A. VCF-style: chr18-58366112-G-A. GRCh37 (hg19) VCF-style: chr18-56033344-G-A.
Other names: c.1584G>A, p.Trp528Ter (NM_001144966.3, NM_001144964.1, NM_001144965.2); c.1923G>A, p.Trp641Ter (NM_001144968.2); c.1863G>A, p.Trp621Ter (NM_001144969.2); c.1524G>A, p.Trp508Ter (NM_001144970.3, NM_001144971.2); c.1755G>A, p.Trp585Ter (NM_001243960.2); c.2784G>A, p.Trp928Ter (NM_001437337.1); c.1887G>A, p.Trp629Ter (NM_015277.6); short protein forms W508*, W528*, W585*, W621*, W629*, W641*, W649*, W928*.
Identifiers: ClinVar variation 5020661 (VCV005020661.1).
Genomic context (GRCh38, chr18:58,366,112, plus strand): 5'-AGAGTCCTATCGGAGAATTATGTCCGTGAAAAGACCAGATGTCCTAAAAGCTAGACTGTG[G>A]ATTGAGTTTGAATCAGAGAAAGGTCTTGACTATGGGGGTGTGGCCAGAGAATGGTTCTTC-3'

ClinVar aggregate classification (germline): Uncertain significance (1 of 4 stars; one submission).

Submission:

Dasa
Classification: Uncertain significance. Last evaluated: 2026-04-29. Review status: criteria provided, single submitter. Criteria: DASA Assertion Criteria. Collection method: clinical testing. Allele origin: germline.
Comment: NM_001144967.3(NEDD4L):c.1947G>A (p.Trp649*) is a nonsense variant in NEDD4L predicted to introduce a premature termination codon. This variant is rare in population databases. The currently available literature and clinical evidence are not sufficient to establish a definitive association between this variant and the reported condition. Therefore, this variant is classified as a variant of uncertain significance.